The following is an entry in ClinVar:

NM_016180.5(SLC45A2):c.1354G>A (p.Glu452Lys)

Gene: SLC45A2 (solute carrier family 45 member 2; minus strand). Cytogenetic location: 5p13.2.
Variant type: single nucleotide variant.
Coding change: c.1354G>A on transcript NM_016180.5 (MANE Select); coding-DNA position 1354, G replaced by A.
Protein change: p.Glu452Lys; replaces glutamic acid 452 with lysine.
Molecular consequence: missense variant.
Genome position (GRCh38, 1-based): chr5:33,947,177, C>T on the plus strand (G>A on the coding strand, the complement: SLC45A2 is on the minus strand). VCF-style: chr5-33947177-C-T. GRCh37 (hg19) VCF-style: chr5-33947282-C-T.
Other names: c.1354G>A, p.Glu452Lys (NM_001012509.4); c.1354G>A (NM_016180.3); short protein forms E452K.
Identifiers: ClinVar variation 1350299 (VCV001350299.4), dbSNP rs746045166, ClinGen allele CA3225490.

ClinVar aggregate classification (germline): Uncertain significance. Review status: criteria provided, multiple submitters, no conflicts (2 of 4 stars). 2 submissions from 2 submitters: Uncertain significance (2). Last evaluated 2024-04-19.

Conditions:
Inborn genetic diseases. Identifiers: MedGen C0950123, MeSH D030342.

Allele frequency attached by ClinVar (database versions not stated): gnomAD exomes 0.00001; ExAC 0.00001; gnomAD 0.00001.
gnomAD v4.1: 11 of 1,614,086 alleles (0.00068%); highest among the groups gnomAD compares: Middle Eastern, 0.016%; no homozygotes.

Submissions (2):

Ambry Genetics
Classification: Uncertain significance for Inborn genetic diseases. Last evaluated: 2024-04-19. Review status: criteria provided, single submitter. Criteria: Ambry Variant Classification Scheme 2023. Collection method: clinical testing. Allele origin: germline.

Labcorp Genetics (formerly Invitae), Labcorp
Classification: Uncertain significance. Last evaluated: 2022-10-03. Review status: criteria provided, single submitter. Criteria: Invitae Variant Classification Sherloc (09022015). Collection method: clinical testing. Allele origin: germline.
Comment: This sequence change replaces glutamic acid, which is acidic and polar, with lysine, which is basic and polar, at codon 452 of the SLC45A2 protein (p.Glu452Lys). The frequency data for this variant in the population databases is considered unreliable, as metrics indicate poor data quality at this position in the gnomAD database. This variant has not been reported in the literature in individuals affected with SLC45A2-related conditions. ClinVar contains an entry for this variant (Variation ID: 1350299). Advanced modeling of protein sequence and biophysical properties (such as structural, functional, and spatial information, amino acid conservation, physicochemical variation, residue mobility, and thermodynamic stability) performed at Invitae indicates that this missense variant is not expected to disrupt SLC45A2 protein function. In summary, the available evidence is currently insufficient to determine the role of this variant in disease. Therefore, it has been classified as a Variant of Uncertain Significance.